The following is an entry in ClinVar:

ClinVar aggregate classification (germline): Likely benign. Review status: criteria provided, multiple submitters, no conflicts (2 of 4 stars). 3 submissions from 3 submitters: Likely benign (3). Last evaluated 2025-08-10.

Conditions:
Jeune thoracic dystrophy. Also called: Jeune syndrome; Infantile thoracic dystrophy; Thoracic pelvic phalangeal dystrophy; Jeune's syndrome; Chondroectodermal dysplasia-like syndrome; Short-rib thoracic dysplasia. Identifiers: Orphanet 474, MedGen C0265275, MONDO:0018770.

Allele frequency attached by ClinVar (database versions not stated): gnomAD exomes 0.00017; ExAC 0.00023.
gnomAD v4.1: 99 of 1,566,404 alleles (0.0063%); highest among the groups gnomAD compares: South Asian, 0.12%; 1 homozygote.

Submissions (3):

Labcorp Genetics (formerly Invitae), Labcorp
Classification: Likely benign for Jeune thoracic dystrophy. Last evaluated: 2025-08-10. Review status: criteria provided, single submitter. Criteria: Invitae Variant Classification Sherloc (09022015). Collection method: clinical testing. Allele origin: germline.

Blueprint Genetics
Classification: Likely benign. Last evaluated: 2024-06-10. Review status: criteria provided, single submitter. Criteria: ACMG Guidelines, 2015. Collection method: clinical testing. Allele origin: germline.

GeneDx
Classification: Likely benign. Last evaluated: 2016-09-12. Review status: criteria provided, single submitter. Criteria: GeneDx Variant Classification (06012015). Collection method: clinical testing. Allele origin: germline. Affected: yes.
Comment: This variant is considered likely benign or benign based on one or more of the following criteria: it is a conservative change, it occurs at a poorly conserved position in the protein, it is predicted to be benign by multiple in silico algorithms, and/or has population frequency not consistent with disease.

NM_001377.3(DYNC2H1):c.12039+19C>T

Gene: DYNC2H1 (dynein cytoplasmic 2 heavy chain 1; plus strand). Cytogenetic location: 11q22.3.
Variant type: single nucleotide variant.
Coding change: c.12039+19C>T on transcript NM_001377.3 (MANE Select); 19 bases into the intron after coding-DNA position 12039, C replaced by T.
Molecular consequence: intron variant.
Genome position (GRCh38, 1-based): chr11:103,324,009, C>T. VCF-style: chr11-103324009-C-T. GRCh37 (hg19) VCF-style: chr11-103194737-C-T.
Other names: c.12060+19C>T (NM_001080463.2).
Identifiers: ClinVar variation 389245 (VCV000389245.6), dbSNP rs778374973, ClinGen allele CA6255443.